The following is an entry in ClinVar:

NM_033026.6(PCLO):c.10676C>G (p.Thr3559Ser)

Gene: PCLO (piccolo presynaptic cytomatrix protein; minus strand). Cytogenetic location: 7q21.11.
Variant type: single nucleotide variant.
Coding change: c.10676C>G on transcript NM_033026.6 (MANE Select); coding-DNA position 10676, C replaced by G.
Protein change: p.Thr3559Ser; replaces threonine 3559 with serine.
Molecular consequence: missense variant.
Genome position (GRCh38, 1-based): chr7:82,949,912, G>C on the plus strand (C>G on the coding strand, the complement: PCLO is on the minus strand). VCF-style: chr7-82949912-G-C. GRCh37 (hg19) VCF-style: chr7-82579228-G-C.
Other names: c.10676C>G, p.Thr3559Ser (NM_014510.3); c.10676C>G (NM_033026.5); short protein forms T3559S.
Identifiers: ClinVar variation 1506627 (VCV001506627.6), dbSNP rs751390415, ClinGen allele CA4319704.

ClinVar aggregate classification (germline): Uncertain significance. Review status: criteria provided, multiple submitters, no conflicts (2 of 4 stars). 3 submissions from 3 submitters: Uncertain significance (3). Last evaluated 2025-10-09.

Conditions:
Inborn genetic diseases. Identifiers: MedGen C0950123, MeSH D030342.

Allele frequency attached by ClinVar (database versions not stated): ExAC 0.00001; gnomAD 0.00001; gnomAD exomes 0.00001; TOPMed 0.00004.
gnomAD v4.1: 4 of 1,613,592 alleles (0.00025%); highest among the groups gnomAD compares: Admixed American, 0.0033%; no homozygotes.

Submissions (3):

Women's Health and Genetics/Laboratory Corporation of America, LabCorp
Classification: Uncertain significance. Last evaluated: 2025-10-09. Review status: criteria provided, single submitter. Criteria: LabCorp Variant Classification Summary - May 2015. Collection method: clinical testing. Allele origin: germline.
Comment: Variant summary: PCLO c.10676C>G (p.Thr3559Ser) results in a conservative amino acid change in the encoded protein sequence. Algorithms developed to predict the effect of missense changes on protein structure and function all suggest that this variant is likely to be tolerated. The variant allele was found at a frequency of 1.2e-05 in 249084 control chromosomes. The available data on variant occurrences in the general population are insufficient to allow any conclusion about variant significance. To our knowledge, no occurrence of c.10676C>G in individuals affected with PCLO-related conditions and no experimental evidence demonstrating its impact on protein function have been reported. ClinVar contains an entry for this variant (Variation ID: 1506627). Based on the evidence outlined above, the variant was classified as uncertain significance.

Ambry Genetics
Classification: Uncertain significance for Inborn genetic diseases. Last evaluated: 2025-02-01. Review status: criteria provided, single submitter. Criteria: Ambry Variant Classification Scheme 2023. Collection method: clinical testing. Allele origin: germline.

Labcorp Genetics (formerly Invitae), Labcorp
Classification: Uncertain significance. Last evaluated: 2021-12-01. Review status: criteria provided, single submitter. Criteria: Invitae Variant Classification Sherloc (09022015). Collection method: clinical testing. Allele origin: germline.
Comment: In summary, the available evidence is currently insufficient to determine the role of this variant in disease. Therefore, it has been classified as a Variant of Uncertain Significance. Algorithms developed to predict the effect of missense changes on protein structure and function are either unavailable or do not agree on the potential impact of this missense change (SIFT: "Tolerated"; PolyPhen-2: "Not Available"; Align-GVGD: "Class C0"). This variant has not been reported in the literature in individuals affected with PCLO-related conditions. This variant is present in population databases (rs751390415, gnomAD 0.002%). This sequence change replaces threonine, which is neutral and polar, with serine, which is neutral and polar, at codon 3559 of the PCLO protein (p.Thr3559Ser).